The following is an entry in ClinVar:

ClinVar aggregate classification (germline): Uncertain significance. Review status: criteria provided, multiple submitters, no conflicts (2 of 4 stars). 2 submissions from 2 submitters: Uncertain significance (2). Last evaluated 2023-10-31.

Conditions:
Intellectual developmental disorder, autosomal dominant 1. Also called: Intellectual disability, autosomal dominant 1; MBD5 Haploinsufficiency. Identifiers: Orphanet 228402, MedGen C1969562, MONDO:0007974, OMIM 156200.

Allele frequency attached by ClinVar (database versions not stated): gnomAD exomes below 0.00001.
gnomAD v4.1: 3 of 1,613,934 alleles (0.00019%); highest among the groups gnomAD compares: African/African-American, 0.0013%; no homozygotes.

Submissions (2):

GeneDx
Classification: Uncertain significance. Last evaluated: 2023-10-31. Review status: criteria provided, single submitter. Criteria: GeneDx Variant Classification Process June 2021. Collection method: clinical testing. Allele origin: germline.
Comment: Not observed at significant frequency in large population cohorts (gnomAD); In silico analysis supports that this missense variant does not alter protein structure/function; Has not been previously published as pathogenic or benign to our knowledge

Labcorp Genetics (formerly Invitae), Labcorp
Classification: Uncertain significance for Intellectual developmental disorder, autosomal dominant 1. Last evaluated: 2022-01-12. Review status: criteria provided, single submitter. Criteria: Invitae Variant Classification Sherloc (09022015). Collection method: clinical testing. Allele origin: germline.
Comment: This variant is not present in population databases (gnomAD no frequency). This variant has not been reported in the literature in individuals affected with MBD5-related conditions. Algorithms developed to predict the effect of missense changes on protein structure and function (SIFT, PolyPhen-2, Align-GVGD) all suggest that this variant is likely to be disruptive. In summary, the available evidence is currently insufficient to determine the role of this variant in disease. Therefore, it has been classified as a Variant of Uncertain Significance. This sequence change replaces proline, which is neutral and non-polar, with serine, which is neutral and polar, at codon 272 of the MBD5 protein (p.Pro272Ser).

NM_001378120.1(MBD5):c.814C>T (p.Pro272Ser)

Gene: MBD5 (methyl-CpG binding domain protein 5; plus strand). Cytogenetic location: 2q23.1.
Variant type: single nucleotide variant.
Coding change: c.814C>T on transcript NM_001378120.1 (MANE Select); coding-DNA position 814, C replaced by T.
Protein change: p.Pro272Ser; replaces proline 272 with serine.
Molecular consequence: missense variant.
Genome position (GRCh38, 1-based): chr2:148,468,757, C>T. VCF-style: chr2-148468757-C-T. GRCh37 (hg19) VCF-style: chr2-149226326-C-T.
Other names: c.814C>T, p.Pro272Ser (NM_018328.5); short protein forms P272S.
Identifiers: ClinVar variation 1803492 (VCV001803492.7), dbSNP rs2469858013, ClinGen allele CA348717779.